The following is an entry in ClinVar:

ClinVar aggregate classification (germline): Uncertain significance (1 of 4 stars; one submission).

Submission:

GeneDx
Classification: Uncertain significance. Last evaluated: 2026-04-10. Review status: criteria provided, single submitter. Criteria: GeneDx Variant Classification Process June 2021. Collection method: clinical testing. Allele origin: germline.
Comment: Frameshift variant predicted to result in protein truncation or nonsense mediated decay in a gene for which loss of function is a known mechanism of disease; Has not been previously published as pathogenic or benign to our knowledge

NM_001130144.3(LTBP3):c.678del (p.Val227fs)

Gene: LTBP3 (latent transforming growth factor beta binding protein 3; minus strand). Cytogenetic location: 11q13.1.
Variant type: Deletion.
Coding change: c.678del on transcript NM_001130144.3 (MANE Select); coding-DNA position 678, one base deleted (C; older notation c.678delC).
Protein change: p.Val227fs; shifts the reading frame from valine 227.
Molecular consequence: frameshift variant.
Genome position (GRCh38, 1-based): chr11:65,553,887, G deleted on the plus strand (C on the coding strand, the reverse complement: LTBP3 is on the minus strand); the first of 6 consecutive G bases (chr11:65,553,887-65,553,892); deleting any one gives the same sequence. VCF-style (leftmost placement, unchanged base first): chr11-65553886-CG-C. GRCh37 (hg19) VCF-style: chr11-65321357-CG-C.
Other names: c.327del, p.Val110fs (NM_001164266.1); c.678del, p.Val227fs (NM_021070.4); short protein forms V110fs, V227fs.
Identifiers: ClinVar variation 5037059 (VCV005037059.1).